The following is an entry in ClinVar:

ClinVar aggregate classification (germline): Uncertain significance (1 of 4 stars; one submission).

Conditions:
Neurodevelopmental disorder. Identifiers: MedGen C1535926, MeSH D065886, MONDO:0700092.

Submission:

Victorian Clinical Genetics Services, Murdoch Childrens Research Institute
Classification: Uncertain significance for Neurodevelopmental disorder. Last evaluated: 2022-02-02. Review status: criteria provided, single submitter. Criteria: ACMG Guidelines, 2015. Collection method: clinical testing. Allele origin: germline. Inheritance: Autosomal dominant inheritance.
Comment: Based on the classification scheme VCGS_Germline_v1.3.4, this variant is classified as 3B-VUS. Following criteria are met: 0102 - Loss of function is a known mechanism of disease in this gene and is associated with JMJD1C-related neurodevelopmental disorder (MONDO#0700092, PMID: 26181491, PMID: 31954878). (I) 0107 - This gene is associated with autosomal dominant disease. (I) 0200 - Variant is predicted to result in a missense amino acid change from leucine to proline. (I) 0251 - This variant is heterozygous. (I) 0301 - Variant is absent from gnomAD (both v2 and v3). (SP) 0503 - Missense variant consistently predicted to be tolerated by multiple in silico tools or not conserved in placental mammals with a minor amino acid change. (SB) 0604 - Variant is not located in an established domain, motif, hotspot or informative constraint region. (I) 0705 - No comparable missense variants have previous evidence for pathogenicity. (I) 0807 - This variant has no previous evidence of pathogenicity. (I) 0905 - No published segregation evidence has been identified for this variant. (I) 1007 - No published functional evidence has been identified for this variant. (I) Legend: (SP) - Supporting pathogenic, (I) - Information, (SB) - Supporting benign

Literature cited by the submitters: PubMed 26181491; PubMed 31954878.

NM_032776.3(JMJD1C):c.2219T>C (p.Leu740Pro)

Gene: JMJD1C (jumonji domain containing 1C; minus strand). Cytogenetic location: 10q21.3.
Variant type: single nucleotide variant.
Coding change: c.2219T>C on transcript NM_032776.3 (MANE Select); coding-DNA position 2219, T replaced by C.
Protein change: p.Leu740Pro; replaces leucine 740 with proline.
Molecular consequence: missense variant. On other transcripts: non-coding transcript variant (1).
Genome position (GRCh38, 1-based): chr10:63,213,948, A>G on the plus strand (T>C on the coding strand, the complement: JMJD1C is on the minus strand). VCF-style: chr10-63213948-A-G. GRCh37 (hg19) VCF-style: chr10-64973708-A-G.
Other names: c.1673T>C, p.Leu558Pro (NM_001282948.2, NM_001318154.2); c.1355T>C, p.Leu452Pro (NM_001318153.2); c.2105T>C, p.Leu702Pro (NM_001322252.2); c.1562T>C, p.Leu521Pro (NM_001322254.2, NM_001322258.2); short protein forms L452P, L521P, L558P, L702P, L740P.
Identifiers: ClinVar variation 1699297 (VCV001699297.3), dbSNP rs2133216478, ClinGen allele CA377046436.